The following is an entry in ClinVar:

ClinVar aggregate classification (germline): Uncertain significance (1 of 4 stars; one submission).

Conditions:
Hereditary cancer-predisposing syndrome. Also called: Neoplastic Syndromes, Hereditary; Tumor predisposition; Hereditary neoplastic syndrome; Hereditary Cancer Syndrome. Identifiers: Orphanet 140162, MedGen C0027672, MeSH D009386, MONDO:0015356.

Submission:

Ambry Genetics
Classification: Uncertain significance for Hereditary cancer-predisposing syndrome. Last evaluated: 2026-07-07. Review status: criteria provided, single submitter. Criteria: Ambry Variant Classification Scheme 2023. Collection method: clinical testing. Allele origin: germline.
Comment: The p.S178A variant (also known as c.532T>G), located in coding exon 3 of the PHOX2B gene, results from a T to G substitution at nucleotide position 532. The serine at codon 178 is replaced by alanine, an amino acid with similar properties. This amino acid position is conserved. In addition, this alteration is predicted to be tolerated by in silico analysis. Based on the available evidence, the clinical significance of this variant remains unclear.

NM_003924.4(PHOX2B):c.532T>G (p.Ser178Ala)

Gene: PHOX2B (paired like homeobox 2B; minus strand). Cytogenetic location: 4p13.
Variant type: single nucleotide variant.
Coding change: c.532T>G on transcript NM_003924.4 (MANE Select); coding-DNA position 532, T replaced by G.
Protein change: p.Ser178Ala; replaces serine 178 with alanine.
Molecular consequence: missense variant.
Genome position (GRCh38, 1-based): chr4:41,746,220, A>C on the plus strand (T>G on the coding strand, the complement: PHOX2B is on the minus strand). VCF-style: chr4-41746220-A-C. GRCh37 (hg19) VCF-style: chr4-41748237-A-C.
Other names: short protein forms S178A.
Identifiers: ClinVar variation 5026520 (VCV005026520.1).